The following is an entry in ClinVar:

ClinVar aggregate classification (germline): Likely pathogenic. Review status: criteria provided, multiple submitters, no conflicts (2 of 4 stars). 5 submissions from 4 submitters: Likely pathogenic (3). 2 of the submissions do not count toward it. Last evaluated 2024-02-20.

Conditions:
Hydrops-lactic acidosis-sideroblastic anemia-multisystemic failure syndrome. Also called: Hydrops, lactic acidosis, and sideroblastic anemia. Identifiers: Orphanet 528091, MedGen C4310761, MONDO:0014869, OMIM 617021.
Perrault syndrome 4 (PRLTS4). Identifiers: Orphanet 2855, MedGen C3809105, MONDO:0014126, OMIM 615300.

Allele frequency attached by ClinVar (database versions not stated): gnomAD exomes 0.00001; TOPMed 0.00002.
gnomAD v4.1: 8 of 1,614,102 alleles (0.0005%); highest among the groups gnomAD compares: East Asian, 0.0045%; no homozygotes.

Submissions (5):

GeneDx
Classification: Likely pathogenic. Last evaluated: 2024-02-20. Review status: criteria provided, single submitter. Criteria: GeneDx Variant Classification Process June 2021. Collection method: clinical testing. Allele origin: germline. Affected: yes.
Comment: Published functional studies demonstrate R228H depletes LARS2 amino-acylation activity (PMID: 32442335); In silico analysis supports that this missense variant has a deleterious effect on protein structure/function; Not observed at significant frequency in large population cohorts (gnomAD); This variant is associated with the following publications: (PMID: 28000701, 34997062, 30737337, 32442335, 35750896)

Labcorp Genetics (formerly Invitae), Labcorp
Classification: Likely pathogenic. Last evaluated: 2022-07-30. Review status: criteria provided, single submitter. Criteria: Invitae Variant Classification Sherloc (09022015). Collection method: clinical testing. Allele origin: germline.
Comment: This sequence change replaces arginine, which is basic and polar, with histidine, which is basic and polar, at codon 228 of the LARS2 protein (p.Arg228His). This variant is not present in population databases (gnomAD no frequency). This missense change has been observed in individual(s) with LARS2-related conditions (PMID: 28000701, 30737337, 32442335). In at least one individual the data is consistent with being in trans (on the opposite chromosome) from a pathogenic variant. ClinVar contains an entry for this variant (Variation ID: 691519). Algorithms developed to predict the effect of missense changes on protein structure and function (SIFT, PolyPhen-2, Align-GVGD) all suggest that this variant is likely to be disruptive. Experimental studies have shown that this missense change affects LARS2 function (PMID: 32442335). In summary, the currently available evidence indicates that the variant is pathogenic, but additional data are needed to prove that conclusively. Therefore, this variant has been classified as Likely Pathogenic.

Kids Research, The Children's Hospital at Westmead
Classification: Likely pathogenic for Hydrops, lactic acidosis, and sideroblastic anemia. Last evaluated: 2019-07-18. Review status: criteria provided, single submitter. Criteria: ACMG Guidelines, 2015. Collection method: research. Allele origin: inherited. Inheritance: Autosomal recessive inheritance. Affected: yes. Observed: 1 compound heterozygote.

OMIM
Classification: Pathogenic for PERRAULT SYNDROME 4. Last evaluated: 2021-01-15. Review status: no assertion criteria provided. Collection method: literature only. Allele origin: germline. Not counted in ClinVar's aggregate classification.

OMIM
Classification: Pathogenic for HYDROPS, LACTIC ACIDOSIS, AND SIDEROBLASTIC ANEMIA. Last evaluated: 2021-01-15. Review status: no assertion criteria provided. Collection method: literature only. Allele origin: germline. Not counted in ClinVar's aggregate classification.

Literature cited by the submitters: PubMed 28000701 (cited by Labcorp Genetics (formerly Invitae), Labcorp); PubMed 30737337 (cited by Labcorp Genetics (formerly Invitae), Labcorp and OMIM); PubMed 32442335 (cited by Labcorp Genetics (formerly Invitae), Labcorp and OMIM).

NM_015340.4(LARS2):c.683G>A (p.Arg228His)

Gene: LARS2 (leucyl-tRNA synthetase 2, mitochondrial; plus strand). Cytogenetic location: 3p21.31.
Variant type: single nucleotide variant.
Coding change: c.683G>A on transcript NM_015340.4 (MANE Select); coding-DNA position 683, G replaced by A.
Protein change: p.Arg228His; replaces arginine 228 with histidine.
Molecular consequence: missense variant.
Genome position (GRCh38, 1-based): chr3:45,458,819, G>A. VCF-style: chr3-45458819-G-A. GRCh37 (hg19) VCF-style: chr3-45500311-G-A.
Other names: c.683G>A, p.Arg228His (NM_001368263.1); short protein forms R228H.
Identifiers: ClinVar variation 691519 (VCV000691519.8), dbSNP rs770440975, ClinGen allele CA73572327.
Genomic context (GRCh38, chr3:45,458,819, plus strand): 5'-ACCCAGTGGATCAAACAGTGCTTGCCAATGAGCAGGTGGATGAACATGGCTGTTCATGGC[G>A]TTCTGGAGCAAAGGTGGAACAGAAGTACCTCAGACAATGGTTTATTAAGACAACCGCTTA-3'
Protein context (NP_056155.1, residues 218-238): EQVDEHGCSW[Arg228His]SGAKVEQKYL